The following is an entry in ClinVar:

NM_000169.3(GLA):c.31G>C (p.Gly11Arg)

Genes: GLA (galactosidase alpha; minus strand), RPL36A-HNRNPH2 (RPL36A-HNRNPH2 readthrough; plus strand). Cytogenetic location: Xq22.1.
Variant type: single nucleotide variant.
Coding change: c.31G>C on transcript NM_000169.3 (MANE Select); coding-DNA position 31, G replaced by C.
Protein change: p.Gly11Arg; replaces glycine 11 with arginine.
Molecular consequence: missense variant. On other transcripts: non-coding transcript variant (3), intron variant (2).
Genome position (GRCh38, 1-based): chrX:101,407,873, C>G on the plus strand (G>C on the coding strand, the complement: GLA is on the minus strand). VCF-style: chrX-101407873-C-G. GRCh37 (hg19) VCF-style: chrX-100662861-C-G.
Other names: c.31G>C, p.Gly11Arg (NM_001406747.1, NM_001406748.1, NM_001406749.1); c.301-4063C>G (NM_001199973.2); c.178-4063C>G (NM_001199974.2); short protein forms G11R.
Identifiers: ClinVar variation 4763207 (VCV004763207.1).

ClinVar aggregate classification (germline): Uncertain significance (1 of 4 stars; one submission).

Conditions:
Fabry disease. Also called: Fabry's disease; ALPHA-GALACTOSIDASE A DEFICIENCY; ANDERSON-FABRY DISEASE; CERAMIDE TRIHEXOSIDASE DEFICIENCY; GLA DEFICIENCY; HEREDITARY DYSTOPIC LIPIDOSIS. Identifiers: Orphanet 324, MedGen C0002986, MONDO:0010526, OMIM 301500, HP:0001071. Disease mechanism: Fabry disease is due to inactivating mutations in the X-linked GLA gene resulting in deficiency of the enzyme Alpha Galactosidase-A., loss of function.

Submission:

Labcorp Genetics (formerly Invitae), Labcorp
Classification: Uncertain significance for Fabry disease. Last evaluated: 2025-02-12. Review status: criteria provided, single submitter. Criteria: Invitae Variant Classification Sherloc (09022015). Collection method: clinical testing. Allele origin: germline.
Comment: This sequence change replaces glycine, which is neutral and non-polar, with arginine, which is basic and polar, at codon 11 of the GLA protein (p.Gly11Arg). This variant is present in population databases (no rsID available, gnomAD 0.005%). This variant has not been reported in the literature in individuals affected with GLA-related conditions. Invitae Evidence Modeling of protein sequence and biophysical properties (such as structural, functional, and spatial information, amino acid conservation, physicochemical variation, residue mobility, and thermodynamic stability) has been performed for this missense variant. However, the output from this modeling did not meet the statistical confidence thresholds required to predict the impact of this variant on GLA protein function. In summary, the available evidence is currently insufficient to determine the role of this variant in disease. Therefore, it has been classified as a Variant of Uncertain Significance.